The following is an entry in ClinVar:

NM_020964.3(EPG5):c.5945G>A (p.Ser1982Asn)

Gene: EPG5 (ectopic P-granules 5 autophagy tethering factor; minus strand). Cytogenetic location: 18q12.3.
Variant type: single nucleotide variant.
Coding change: c.5945G>A on transcript NM_020964.3 (MANE Select); coding-DNA position 5945, G replaced by A.
Protein change: p.Ser1982Asn; replaces serine 1982 with asparagine.
Molecular consequence: missense variant.
Genome position (GRCh38, 1-based): chr18:45,876,340, C>T on the plus strand (G>A on the coding strand, the complement: EPG5 is on the minus strand). VCF-style: chr18-45876340-C-T. GRCh37 (hg19) VCF-style: chr18-43456305-C-T.
Other names: c.5945G>A (NM_020964.2); short protein forms S1982N.
Identifiers: ClinVar variation 1174104 (VCV001174104.8), dbSNP rs377447365, ClinGen allele CA8948417.

ClinVar aggregate classification (germline): Uncertain significance. Review status: criteria provided, multiple submitters, no conflicts (2 of 4 stars). 3 submissions from 3 submitters: Uncertain significance (2). 1 of the submissions does not count toward it. Last evaluated 2025-06-07.

Conditions:
Global developmental delay (DD). Also called: Cognitive delay. Identifiers: MedGen C0557874, HP:0001263. Disease mechanism: loss of function.
Inborn genetic diseases. Identifiers: MedGen C0950123, MeSH D030342.
Vici syndrome (VICIS). Identifiers: Orphanet 1493, MedGen C1855772, MONDO:0009452, OMIM 242840.

Allele frequency attached by ClinVar (database versions not stated): TOPMed 0.00003; ExAC 0.00002; gnomAD exomes 0.00002 and 0.00001; ESP Exome Variant Server 0.00016; gnomAD 0.00005.
gnomAD v4.1: 26 of 1,613,004 alleles (0.0016%); highest among the groups gnomAD compares: Non-Finnish European, 0.0022%; no homozygotes.

Submissions (3):

Ambry Genetics
Classification: Uncertain significance for Inborn genetic diseases. Last evaluated: 2025-06-07. Review status: criteria provided, single submitter. Criteria: Ambry Variant Classification Scheme 2023. Collection method: clinical testing. Allele origin: germline.

Labcorp Genetics (formerly Invitae), Labcorp
Classification: Uncertain significance for Vici syndrome. Last evaluated: 2022-08-09. Review status: criteria provided, single submitter. Criteria: Invitae Variant Classification Sherloc (09022015). Collection method: clinical testing. Allele origin: germline.
Comment: This sequence change replaces serine, which is neutral and polar, with asparagine, which is neutral and polar, at codon 1982 of the EPG5 protein (p.Ser1982Asn). This variant is present in population databases (rs377447365, gnomAD 0.003%). This variant has not been reported in the literature in individuals affected with EPG5-related conditions. ClinVar contains an entry for this variant (Variation ID: 1174104). Algorithms developed to predict the effect of missense changes on protein structure and function output the following: SIFT: "Deleterious"; PolyPhen-2: "Benign"; Align-GVGD: "Class C0". The asparagine amino acid residue is found in multiple mammalian species, which suggests that this missense change does not adversely affect protein function. Algorithms developed to predict the effect of sequence changes on RNA splicing suggest that this variant may disrupt the consensus splice site. In summary, the available evidence is currently insufficient to determine the role of this variant in disease. Therefore, it has been classified as a Variant of Uncertain Significance.

Centre de Biologie Pathologie Génétique, Centre Hospitalier Universitaire de Lille
Classification: Uncertain significance for Global developmental delay. Last evaluated: 2020-01-01. Review status: no assertion criteria provided. Collection method: clinical testing. Allele origin: germline. Affected: yes. Not counted in ClinVar's aggregate classification.